The following is an entry in ClinVar:

ClinVar aggregate classification (germline): Uncertain significance (1 of 4 stars; one submission).

Allele frequency attached by ClinVar (database versions not stated): gnomAD 0.00001; TOPMed 0.00001; ExAC 0.00002; ESP Exome Variant Server 0.00008.
gnomAD v4.1: 42 of 1,613,708 alleles (0.0026%); highest among the groups gnomAD compares: Non-Finnish European, 0.0034%; no homozygotes.

Submission:

Labcorp Genetics (formerly Invitae), Labcorp
Classification: Uncertain significance. Last evaluated: 2021-09-17. Review status: criteria provided, single submitter. Criteria: Invitae Variant Classification Sherloc (09022015). Collection method: clinical testing. Allele origin: germline.
Comment: This sequence change replaces proline with serine at codon 33 of the NBAS protein (p.Pro33Ser). The proline residue is highly conserved and there is a moderate physicochemical difference between proline and serine. This variant is present in population databases (rs373061877, ExAC 0.001%). This variant has not been reported in the literature in individuals affected with NBAS-related conditions. Algorithms developed to predict the effect of missense changes on protein structure and function (SIFT, PolyPhen-2, Align-GVGD) all suggest that this variant is likely to be disruptive. In summary, the available evidence is currently insufficient to determine the role of this variant in disease. Therefore, it has been classified as a Variant of Uncertain Significance.

NM_015909.4(NBAS):c.97C>T (p.Pro33Ser)

Genes: NBAS (NBAS subunit of NRZ tethering complex; minus strand), LOC129933155 (ATAC-STARR-seq lymphoblastoid active region 15346; plus strand). Cytogenetic location: 2p24.3.
Variant type: single nucleotide variant.
Coding change: c.97C>T on transcript NM_015909.4 (MANE Select); coding-DNA position 97, C replaced by T.
Protein change: p.Pro33Ser; replaces proline 33 with serine.
Molecular consequence: missense variant. On other transcripts: non-coding transcript variant (1).
Genome position (GRCh38, 1-based): chr2:15,561,208, G>A on the plus strand (C>T on the coding strand, the complement: NBAS is on the minus strand). VCF-style: chr2-15561208-G-A. GRCh37 (hg19) VCF-style: chr2-15701332-G-A.
Other names: short protein forms P33S.
Identifiers: ClinVar variation 1906458 (VCV001906458.2), dbSNP rs373061877, ClinGen allele CA1537237.
Genomic context (GRCh38, chr2:15,561,208, plus strand): 5'-CGCGCCAAGCTGGCTGCTGCTGTAGATGGGCCTGGTTCACCTGTACTTCAGTCTCCGGTG[G>A]CCACTCGGTGTTGACCAACAAGTCATAGAGAATCGTCTCCTCCTCACCCTCTGCAGTGCC-3'
Protein context (NP_056993.2, residues 23-43): LYDLLVNTEW[Pro33Ser]PETEVQPRGN